The following is an entry in ClinVar:

NM_172107.4(KCNQ2):c.2032del (p.Glu678fs)

Gene: KCNQ2 (potassium voltage-gated channel subfamily Q member 2; minus strand). Cytogenetic location: 20q13.33.
Variant type: Deletion.
Coding change: c.2032del on transcript NM_172107.4 (MANE Select); coding-DNA position 2032, one base deleted (G; older notation c.2032delG).
Protein change: p.Glu678fs; shifts the reading frame from glutamic acid 678.
Molecular consequence: frameshift variant.
Genome position (GRCh38, 1-based): chr20:63,407,231, C deleted on the plus strand (G on the coding strand, the reverse complement: KCNQ2 is on the minus strand); the first of 3 consecutive C bases (chr20:63,407,231-63,407,233); deleting any one gives the same sequence. VCF-style (leftmost placement, unchanged base first): chr20-63407230-TC-T. GRCh37 (hg19) VCF-style: chr20-62038583-TC-T.
Other names: c.2086del, p.Glu696fs (NM_001382235.1); c.1948del, p.Glu650fs (NM_004518.6); c.1978del, p.Glu660fs (NM_172106.3); c.1939del, p.Glu647fs (NM_172108.5); short protein forms E647fs, E660fs, E678fs, E650fs, E696fs.
Identifiers: ClinVar variation 1368712 (VCV001368712.9), dbSNP rs2145487908, ClinGen allele CA2573157306.

ClinVar aggregate classification (germline): Pathogenic (1 of 4 stars; one submission).

Conditions:
Early-infantile DEE. Also called: Early infantile epileptic encephalopathy with suppression bursts; Early infantile epileptic encephalopathy; Ohtahara syndrome. Identifiers: Orphanet 1934, MedGen C0393706, MONDO:0800491.

Submission:

Labcorp Genetics (formerly Invitae), Labcorp
Classification: Pathogenic for Early-infantile DEE. Last evaluated: 2021-03-27. Review status: criteria provided, single submitter. Criteria: Invitae Variant Classification Sherloc (09022015). Collection method: clinical testing. Allele origin: germline.
Comment: For these reasons, this variant has been classified as Pathogenic. This variant results in an extension of the KCNQ2 protein. Other variant(s) that result in a similarly extended protein product (p.Val710Serfs*220) have been determined to be pathogenic (PMID: 12847176, 27535030, 16966552, 16260777). This suggests that these extensions are likely to be causative of disease. This variant has not been reported in the literature in individuals with KCNQ2-related conditions. This variant is not present in population databases (ExAC no frequency). This sequence change results in a frameshift in the KCNQ2 gene (p.Glu678Serfs*252). While this is not anticipated to result in nonsense mediated decay, it is expected to disrupt the last 195 amino acid(s) of the KCNQ2 protein and extend the protein by 56 additional amino acid residues.

Literature cited by the submitters: PubMed 12847176; PubMed 27535030; PubMed 16966552; PubMed 16260777.